The following is an entry in ClinVar:

NM_006393.3(NEBL):c.834T>G (p.Asp278Glu)

Gene: NEBL (nebulette; minus strand). Cytogenetic location: 10p12.31.
Variant type: single nucleotide variant.
Coding change: c.834T>G on transcript NM_006393.3 (MANE Select); coding-DNA position 834, T replaced by G.
Protein change: p.Asp278Glu; replaces aspartic acid 278 with glutamic acid.
Molecular consequence: missense variant. On other transcripts: intron variant (9).
Genome position (GRCh38, 1-based): chr10:20,858,309, A>C on the plus strand (T>G on the coding strand, the complement: NEBL is on the minus strand). VCF-style: chr10-20858309-A-C. GRCh37 (hg19) VCF-style: chr10-21147238-A-C.
Other names: c.250-45369T>G (NM_001377326.1, NM_001377327.1, NM_001377328.1); c.358-45369T>G (NM_213569.2, NM_001173484.2, NM_001377322.1); c.301-45369T>G (NM_001377324.1); c.292-45369T>G (NM_001377325.1); c.310-45369T>G (NM_001377323.1); short protein forms D278E.
Identifiers: ClinVar variation 3662247 (VCV003662247.2).

ClinVar aggregate classification (germline): Uncertain significance (1 of 4 stars; one submission).

Conditions:
Primary dilated cardiomyopathy (DCM). Also called: Dilated Cardiomyopathy. Identifiers: Orphanet 217604, MedGen C0007193, MeSH D002311, MONDO:0005021, HP:0001644. Inheritance: Various modes of inheritance.

Submission:

Labcorp Genetics (formerly Invitae), Labcorp
Classification: Uncertain significance for Primary dilated cardiomyopathy. Last evaluated: 2024-08-13. Review status: criteria provided, single submitter. Criteria: Invitae Variant Classification Sherloc (09022015). Collection method: clinical testing. Allele origin: germline.
Comment: This sequence change replaces aspartic acid, which is acidic and polar, with glutamic acid, which is acidic and polar, at codon 278 of the NEBL protein (p.Asp278Glu). This variant is not present in population databases (gnomAD no frequency). This variant has not been reported in the literature in individuals affected with NEBL-related conditions. An algorithm developed to predict the effect of missense changes on protein structure and function outputs the following: PolyPhen-2: "Benign". The glutamic acid amino acid residue is found in multiple mammalian species, which suggests that this missense change does not adversely affect protein function. In summary, the available evidence is currently insufficient to determine the role of this variant in disease. Therefore, it has been classified as a Variant of Uncertain Significance.